The following is an entry in ClinVar:

NM_006147.4(IRF6):c.1153T>C (p.Leu385=)

Gene: IRF6 (interferon regulatory factor 6; minus strand). Cytogenetic location: 1q32.2.
Variant type: single nucleotide variant.
Coding change: c.1153T>C on transcript NM_006147.4 (MANE Select); coding-DNA position 1153, T replaced by C.
Protein change: p.Leu385=; no amino-acid change (leucine 385 retained).
Molecular consequence: synonymous variant.
Genome position (GRCh38, 1-based): chr1:209,789,693, A>G on the plus strand (T>C on the coding strand, the complement: IRF6 is on the minus strand). VCF-style: chr1-209789693-A-G. GRCh37 (hg19) VCF-style: chr1-209963038-A-G.
Other names: c.868T>C, p.Leu290= (NM_001206696.2).
Identifiers: ClinVar variation 259922 (VCV000259922.19), dbSNP rs61099902, ClinGen allele CA1377193.
Genomic context (GRCh38, chr1:209,789,693, plus strand): 5'-ATGAAGAGTTGTTGACACAGCCTTATCTTCTCACCTGAACCAAGATGAGTTTCCTTTCCA[A>G]TGGTTTCCCATCTGGCCATTCTTCCCCAAAGCATAAGTAGATCTCAAACGGTGGCTGCTT-3'
Protein context (NP_006138.1, residues 375-395): FGEEWPDGKP[Leu385=]ERKLILVQVI

ClinVar aggregate classification (germline): Benign. Review status: criteria provided, multiple submitters, no conflicts (2 of 4 stars). 6 submissions from 5 submitters: Benign (6). Last evaluated 2026-01-27.

Conditions:
Van der Woude syndrome. Identifiers: Orphanet 888, MedGen C0175697, MONDO:0019508.
Orofacial cleft 6, susceptibility to (OFC6). Also called: CLEFT LIP WITH OR WITHOUT CLEFT PALATE, NONSYNDROMIC, 6. Identifiers: MedGen C1837213, MONDO:0012141, OMIM 608864.
Popliteal pterygium syndrome (PPS). Identifiers: Orphanet 294963, MedGen C0265259, MONDO:0017435.
Van der Woude syndrome 1. Also called: CLEFT LIP AND/OR PALATE WITH MUCOUS CYSTS OF LOWER LIP; van der Woude Syndrome (VWS). Identifiers: MedGen C4551864, MONDO:0007333, OMIM 119300.

Allele frequency attached by ClinVar (database versions not stated): TOPMed 0.02159; ExAC 0.00637; 1000 Genomes Project 30x 0.01562; gnomAD 0.02121 and 0.01959; ESP Exome Variant Server 0.02360; gnomAD exomes 0.00568; 1000 Genomes Project 0.01438.
gnomAD v4.1: 6,619 of 1,613,494 alleles (0.41%); highest among the groups gnomAD compares: African/African-American, 6.7%; 188 homozygotes.

Submissions (6):

Labcorp Genetics (formerly Invitae), Labcorp
Classification: Benign for Orofacial cleft 6, susceptibility to; Van der Woude syndrome; Popliteal pterygium syndrome. Last evaluated: 2026-01-27. Review status: criteria provided, single submitter. Criteria: Invitae Variant Classification Sherloc (09022015). Collection method: clinical testing. Allele origin: germline.

Illumina Laboratory Services, Illumina
Classification: Benign for Van der Woude syndrome 1. Last evaluated: 2018-01-13. Review status: criteria provided, single submitter. Criteria: ICSL Variant Classification Criteria 13 December 2019. Collection method: clinical testing. Allele origin: germline.
Comment: This variant was observed in the ICSL laboratory as part of a predisposition screen in an ostensibly healthy population. It had not been previously curated by ICSL or reported in the Human Gene Mutation Database (HGMD: prior to June 1st, 2018), and was therefore a candidate for classification through an automated scoring system. Utilizing variant allele frequency, disease prevalence and penetrance estimates, and inheritance mode, an automated score was calculated to assess if this variant is too frequent to cause the disease. Based on the score and internal cut-off values, a variant classified as benign is not then subjected to further curation. The score for this variant resulted in a classification of benign for this disease.

Illumina Laboratory Services, Illumina
Classification: Benign for Orofacial cleft 6, susceptibility to. Last evaluated: 2018-01-13. Review status: criteria provided, single submitter. Criteria: ICSL Variant Classification Criteria 13 December 2019. Collection method: clinical testing. Allele origin: germline.
Comment: the same text as in the submission from Illumina Laboratory Services, Illumina above.

GeneDx
Classification: Benign. Last evaluated: 2015-03-03. Review status: criteria provided, single submitter. Criteria: GeneDx Variant Classification Process June 2021. Collection method: clinical testing. Allele origin: germline. Affected: yes.

Breakthrough Genomics
Classification: Benign. Review status: criteria provided, single submitter. Criteria: ACMG Guidelines, 2015. Collection method: not provided. Allele origin: germline. Inheritance: Autosomal dominant inheritance. Affected: yes.

PreventionGenetics, part of Exact Sciences
Classification: Benign. Review status: criteria provided, single submitter. Criteria: ACMG Guidelines, 2015. Collection method: clinical testing. Allele origin: germline.